The following is an entry in ClinVar:

NM_022051.3(EGLN1):c.469C>G (p.Gln157Glu)

Gene: EGLN1 (egl-9 family hypoxia inducible factor 1; minus strand). Cytogenetic location: 1q42.2.
Variant type: single nucleotide variant.
Coding change: c.469C>G on transcript NM_022051.3 (MANE Select); coding-DNA position 469, C replaced by G.
Protein change: p.Gln157Glu; replaces glutamine 157 with glutamic acid.
Molecular consequence: missense variant.
Genome position (GRCh38, 1-based): chr1:231,421,420, G>C on the plus strand (C>G on the coding strand, the complement: EGLN1 is on the minus strand). VCF-style: chr1-231421420-G-C. GRCh37 (hg19) VCF-style: chr1-231557166-G-C.
Other names: c.469C>G, p.Gln157Glu (NM_001377260.1, NM_001377261.1); short protein forms Q157E.
Identifiers: ClinVar variation 2450376 (VCV002450376.3), dbSNP rs986689298, ClinGen allele CA38948748.

ClinVar aggregate classification (germline): Uncertain significance (1 of 4 stars; one submission).

Submission:

Ambry Genetics
Classification: Uncertain significance. Last evaluated: 2025-01-31. Review status: criteria provided, single submitter. Criteria: Ambry Variant Classification Scheme 2023. Collection method: clinical testing. Allele origin: germline.
Comment: The p.Q157E variant (also known as c.469C>G), located in coding exon 1 of the EGLN1 gene, results from a C to G substitution at nucleotide position 469. The glutamine at codon 157 is replaced by glutamic acid, an amino acid with highly similar properties. This amino acid position is conserved. In addition, this alteration is predicted to be tolerated by in silico analysis. Since supporting evidence is limited at this time, the clinical significance of this alteration remains unclear.